The following is an entry in ClinVar:

NM_000128.4(F11):c.1421T>C (p.Met474Thr)

Gene: F11 (coagulation factor XI; plus strand). Cytogenetic location: 4q35.2.
Variant type: single nucleotide variant.
Coding change: c.1421T>C on transcript NM_000128.4 (MANE Select); coding-DNA position 1421, T replaced by C.
Protein change: p.Met474Thr; replaces methionine 474 with threonine.
Molecular consequence: missense variant.
Genome position (GRCh38, 1-based): chr4:186,285,754, T>C. VCF-style: chr4-186285754-T-C. GRCh37 (hg19) VCF-style: chr4-187206908-T-C.
Other names: c.1373T>C, p.Met458Thr (NM_001440590.1, NM_001440596.1); c.1421T>C, p.Met474Thr (NM_001440593.1); c.1151T>C, p.Met384Thr (NM_001440605.1, NM_001440607.1); c.1103T>C, p.Met368Thr (NM_001440606.1, NM_001440608.1); short protein forms M368T, M384T, M458T, M474T.
Identifiers: ClinVar variation 5041542 (VCV005041542.1).

ClinVar aggregate classification (germline): Uncertain significance (1 of 4 stars; one submission).

gnomAD v4.1: 4 of 1,614,208 alleles (0.00025%); highest among the groups gnomAD compares: Admixed American, 0.0033%; no homozygotes.

Submission:

CeGaT Center for Human Genetics Tuebingen
Classification: Uncertain significance. Last evaluated: 2026-09-01. Review status: criteria provided, single submitter. Criteria: CeGaT Center For Human Genetics Tuebingen Variant Classification Criteria Version 2. Collection method: clinical testing. Allele origin: germline. Affected: yes. Observed: 1 variant allele.
Comment: F11: PM2, BP4